The following is an entry in ClinVar:

ClinVar aggregate classification (germline): Uncertain significance (1 of 4 stars; one submission).

Submission:

Labcorp Genetics (formerly Invitae), Labcorp
Classification: Uncertain significance. Last evaluated: 2022-10-17. Review status: criteria provided, single submitter. Criteria: Invitae Variant Classification Sherloc (09022015). Collection method: clinical testing. Allele origin: germline.
Comment: In summary, the available evidence is currently insufficient to determine the role of this variant in disease. Therefore, it has been classified as a Variant of Uncertain Significance. Algorithms developed to predict the effect of missense changes on protein structure and function are either unavailable or do not agree on the potential impact of this missense change (SIFT: "Not Available"; PolyPhen-2: "Possibly Damaging"; Align-GVGD: "Not Available"). This variant has not been reported in the literature in individuals affected with IREB2-related conditions. This variant is not present in population databases (gnomAD no frequency). This sequence change replaces cysteine, which is neutral and slightly polar, with arginine, which is basic and polar, at codon 581 of the IREB2 protein (p.Cys581Arg).

NM_004136.4(IREB2):c.1741T>C (p.Cys581Arg)

Gene: IREB2 (iron responsive element binding protein 2; plus strand). Cytogenetic location: 15q25.1.
Variant type: single nucleotide variant.
Coding change: c.1741T>C on transcript NM_004136.4 (MANE Select); coding-DNA position 1741, T replaced by C.
Protein change: p.Cys581Arg; replaces cysteine 581 with arginine.
Molecular consequence: missense variant.
Genome position (GRCh38, 1-based): chr15:78,487,764, T>C. VCF-style: chr15-78487764-T-C. GRCh37 (hg19) VCF-style: chr15-78780106-T-C.
Other names: c.991T>C, p.Cys331Arg (NM_001320941.2); c.1570T>C, p.Cys524Arg (NM_001320942.2, NM_001354994.2); short protein forms C581R, C524R, C331R.
Identifiers: ClinVar variation 2004878 (VCV002004878.4), dbSNP rs2542623073, ClinGen allele CA393563398.